The following is an entry in ClinVar:

ClinVar aggregate classification (germline): Uncertain significance (1 of 4 stars; one submission).

Submission:

Labcorp Genetics (formerly Invitae), Labcorp
Classification: Uncertain significance. Last evaluated: 2024-08-12. Review status: criteria provided, single submitter. Criteria: Invitae Variant Classification Sherloc (09022015). Collection method: clinical testing. Allele origin: germline.
Comment: This sequence change affects codon 1158 of the NYNRIN mRNA. It is a 'silent' change, meaning that it does not change the encoded amino acid sequence of the NYNRIN protein. This variant is present in population databases (rs769594120, gnomAD 0.01%). This variant has not been reported in the literature in individuals affected with NYNRIN-related conditions. In summary, the available evidence is currently insufficient to determine the role of this variant in disease. Therefore, it has been classified as a Variant of Uncertain Significance.

NM_025081.3(NYNRIN):c.3474G>T (p.Leu1158=)

Gene: NYNRIN (NYN domain and retroviral integrase containing; plus strand). Cytogenetic location: 14q12.
Variant type: single nucleotide variant.
Coding change: c.3474G>T on transcript NM_025081.3 (MANE Select); coding-DNA position 3474, G replaced by T.
Protein change: p.Leu1158=; no amino-acid change (leucine 1158 retained).
Molecular consequence: synonymous variant.
Genome position (GRCh38, 1-based): chr14:24,415,223, G>T. VCF-style: chr14-24415223-G-T. GRCh37 (hg19) VCF-style: chr14-24884429-G-T.
Identifiers: ClinVar variation 3626205 (VCV003626205.2).
Genomic context (GRCh38, chr14:24,415,223, plus strand): 5'-CCTGGCCCTGAAGCGAGCCCTGGTGTCTGCCCTCTGCCTGATGGCCCCCAACTCCCAGCT[G>T]CCCTTCCGCCTGGAGGTGACCGTGAGCCACGTGGCCCTGACGGCCATCCTCCATCAGGAG-3'
Protein context (NP_079357.2, residues 1148-1168): ALCLMAPNSQ[Leu1158=]PFRLEVTVSH